The following is an entry in ClinVar:

NM_004655.4(AXIN2):c.1848G>C (p.Ser616=)

Gene: AXIN2 (axin 2; minus strand). Cytogenetic location: 17q24.1.
Variant type: single nucleotide variant.
Coding change: c.1848G>C on transcript NM_004655.4 (MANE Select); coding-DNA position 1848, G replaced by C.
Protein change: p.Ser616=; no amino-acid change (serine 616 retained).
Molecular consequence: synonymous variant. On other transcripts: intron variant (1).
Genome position (GRCh38, 1-based): chr17:65,536,928, C>G on the plus strand (G>C on the coding strand, the complement: AXIN2 is on the minus strand). VCF-style: chr17-65536928-C-G. GRCh37 (hg19) VCF-style: chr17-63533046-C-G.
Other names: c.1713-375G>C (NM_001363813.1).
Identifiers: ClinVar variation 1781279 (VCV001781279.8), dbSNP rs1362072020, ClinGen allele CA501691068.

ClinVar aggregate classification (germline): Benign/Likely benign. Review status: criteria provided, multiple submitters, no conflicts (2 of 4 stars). 3 submissions from 3 submitters: Benign (1); Likely benign (2). Last evaluated 2024-12-04.

Conditions:
Hereditary cancer-predisposing syndrome. Also called: Neoplastic Syndromes, Hereditary; Tumor predisposition; Hereditary Cancer Syndrome; Hereditary neoplastic syndrome. Identifiers: Orphanet 140162, MedGen C0027672, MeSH D009386, MONDO:0015356.
Oligodontia-cancer predisposition syndrome. Also called: TOOTH AGENESIS-COLORECTAL CANCER SYNDROME. Identifiers: Orphanet 300576, MedGen C1837750, MONDO:0012075, OMIM 608615. Disease mechanism: loss of function.

Submissions (3):

Labcorp Genetics (formerly Invitae), Labcorp
Classification: Likely benign for Oligodontia-cancer predisposition syndrome. Last evaluated: 2024-12-04. Review status: criteria provided, single submitter. Criteria: Invitae Variant Classification Sherloc (09022015). Collection method: clinical testing. Allele origin: germline.

Myriad Genetics, Inc.
Classification: Benign for Oligodontia-cancer predisposition syndrome. Last evaluated: 2024-07-08. Review status: criteria provided, single submitter. Criteria: Myriad Autosomal Dominant, Autosomal Recessive and X-Linked Classification Criteria (2023). Collection method: clinical testing. Allele origin: unknown.
Comment: This variant is considered benign. This variant is a silent/synonymous amino acid change and it is not expected to impact splicing.

Ambry Genetics
Classification: Likely benign for Hereditary cancer-predisposing syndrome. Last evaluated: 2022-05-01. Review status: criteria provided, single submitter. Criteria: Ambry Variant Classification Scheme 2023. Collection method: clinical testing. Allele origin: germline.